The following is an entry in ClinVar:

ClinVar aggregate classification (germline): Uncertain significance. Review status: criteria provided, multiple submitters, no conflicts (2 of 4 stars). 3 submissions from 3 submitters: Uncertain significance (3). Last evaluated 2025-12-15.

Conditions:
Short-rib thoracic dysplasia 6 with or without polydactyly (SRTD6). Also called: Majewski Syndrome; SHORT-RIB THORACIC DYSPLASIA 6 WITH POLYDACTYLY; SHORT-RIB THORACIC DYSPLASIA 6 WITHOUT POLYDACTYLY; POLYDACTYLY WITH NEONATAL CHONDRODYSTROPHY, TYPE II; SHORT RIB-POLYDACTYLY SYNDROME, TYPE IIA. Identifiers: MedGen C0024507, MONDO:0009894, OMIM 263520.

Allele frequency attached by ClinVar (database versions not stated): gnomAD exomes 0.00005 and 0.00009; TOPMed 0.00006; gnomAD 0.00007; ESP Exome Variant Server 0.00008; ExAC 0.00013.
gnomAD v4.1: 87 of 1,609,400 alleles (0.0054%); highest among the groups gnomAD compares: Non-Finnish European, 0.0069%; no homozygotes.

Submissions (3):

Labcorp Genetics (formerly Invitae), Labcorp
Classification: Uncertain significance for Short-rib thoracic dysplasia 6 with or without polydactyly. Last evaluated: 2025-12-15. Review status: criteria provided, single submitter. Criteria: Invitae Variant Classification Sherloc (09022015). Collection method: clinical testing. Allele origin: germline.
Comment: This sequence change replaces lysine, which is basic and polar, with glutamic acid, which is acidic and polar, at codon 620 of the NEK1 protein (p.Lys620Glu). This variant is present in population databases (rs371562840, gnomAD 0.02%). This missense change has been observed in individual(s) with amyotrophic lateral sclerosis (PMID: 33445179). This variant is also known as c.1942A>G p.Lys648Glu. ClinVar contains an entry for this variant (Variation ID: 1316177). Invitae Evidence Modeling of protein sequence and biophysical properties (such as structural, functional, and spatial information, amino acid conservation, physicochemical variation, residue mobility, and thermodynamic stability) indicates that this missense variant is expected to disrupt NEK1 protein function with a positive predictive value of 80%. In summary, the available evidence is currently insufficient to determine the role of this variant in disease. Therefore, it has been classified as a Variant of Uncertain Significance.

Revvity Omics, Revvity
Classification: Uncertain significance for Short-rib thoracic dysplasia 6 with or without polydactyly. Last evaluated: 2019-11-21. Review status: criteria provided, single submitter. Criteria: ACMG Guidelines, 2015. Collection method: clinical testing. Allele origin: germline.

GeneDx
Classification: Uncertain significance. Last evaluated: 2019-08-14. Review status: criteria provided, single submitter. Criteria: GeneDx Variant Classification Process June 2021. Collection method: clinical testing. Allele origin: germline. Affected: yes.
Comment: In silico analysis, which includes protein predictors and evolutionary conservation, supports that this variant does not alter protein structure/function; Has not been previously published as pathogenic or benign to our knowledge

Literature cited by the submitters: PubMed 33445179 (cited by Labcorp Genetics (formerly Invitae), Labcorp).

NM_001199397.3(NEK1):c.1942A>G (p.Lys648Glu)

Gene: NEK1 (NIMA related kinase 1; minus strand). Cytogenetic location: 4q33.
Variant type: single nucleotide variant.
Coding change: c.1942A>G on transcript NM_001199397.3 (MANE Select); coding-DNA position 1942, A replaced by G.
Protein change: p.Lys648Glu; replaces lysine 648 with glutamic acid.
Molecular consequence: missense variant. On other transcripts: non-coding transcript variant (1), intron variant (1).
Genome position (GRCh38, 1-based): chr4:169,507,102, T>C on the plus strand (A>G on the coding strand, the complement: NEK1 is on the minus strand). VCF-style: chr4-169507102-T-C. GRCh37 (hg19) VCF-style: chr4-170428253-T-C.
Other names: c.1810A>G, p.Lys604Glu (NM_001199398.3); c.1651A>G, p.Lys551Glu (NM_001199399.3); c.1726A>G, p.Lys576Glu (NM_001199400.3); c.1942A>G, p.Lys648Glu (NM_001374418.1); c.1858A>G, p.Lys620Glu (NM_001374419.1, NM_012224.4); c.1807A>G, p.Lys603Glu (NM_001374420.1); c.1701+613A>G (NM_001374421.1); c.1858A>G (NM_012224.3); short protein forms K551E, K576E, K603E, K604E, K620E, K648E.
Identifiers: ClinVar variation 1316177 (VCV001316177.9), dbSNP rs371562840, ClinGen allele CA3137560.